The following is an entry in ClinVar:

NM_001110556.2(FLNA):c.4755G>C (p.Thr1585=)

Gene: FLNA (filamin A; minus strand). Cytogenetic location: Xq28.
Variant type: single nucleotide variant.
Coding change: c.4755G>C on transcript NM_001110556.2 (MANE Select); coding-DNA position 4755, G replaced by C.
Protein change: p.Thr1585=; no amino-acid change (threonine 1585 retained).
Molecular consequence: synonymous variant.
Genome position (GRCh38, 1-based): chrX:154,358,199, C>G on the plus strand (G>C on the coding strand, the complement: FLNA is on the minus strand). VCF-style: chrX-154358199-C-G. GRCh37 (hg19) VCF-style: chrX-153586567-C-G.
Other names: c.4755G>C, p.Thr1585= (NM_001456.4).
Identifiers: ClinVar variation 3759270 (VCV003759270.2).
Genomic context (GRCh38, chrX:154,358,199, plus strand): 5'-GCAGCCCACACTCCAGCCGCCCAGGCCCCCCTGCCTCCCCTGCCTGTGCCCGGAGCTCAC[C>G]GTGATCTGGACAGCCAGCAGGCCCTCCCCGGCGTCCTTTGCATCGATGGTGAACTCCACG-3'
Protein context (NP_001104026.1, residues 1575-1595): AGEGLLAVQI[Thr1585=]DPEGKPKKTH

ClinVar aggregate classification (germline): Uncertain significance (1 of 4 stars; one submission).

Conditions:
Melnick-Needles syndrome (MNS). Also called: MELNICK-NEEDLES OSTEODYSPLASTY; OSTEODYSPLASTY OF MELNICK AND NEEDLES; Melnick-Needles Syndrome (FLNA-MNS). Identifiers: Orphanet 2484, MedGen C0025237, MONDO:0010650, OMIM 309350.
Frontometaphyseal dysplasia (FMD1). Identifiers: Orphanet 1826, MedGen C0265293, MONDO:0015942.
Heterotopia, periventricular, X-linked dominant (PVNH1). Also called: PERIVENTRICULAR NODULAR HETEROTOPIA 1; X-linked periventricular heterotopia; PERIVENTRICULAR NODULAR HETEROTOPIA 4; HETEROTOPIA, PERIVENTRICULAR, 1. Identifiers: Orphanet 2149, Orphanet 82004, MedGen C1848213, MONDO:0010233, OMIM 300049.
Oto-palato-digital syndrome, type II (OPD2). Also called: FACIOPALATOOSSEOUS SYNDROME; OPD II SYNDROME; Otopalatodigital Syndrome, Type II; Otopalatodigital Syndrome Type 2 (FLNA-OPD2). Identifiers: Orphanet 669, Orphanet 90652, MedGen C1844696, MONDO:0010571, OMIM 304120.

Submission:

Labcorp Genetics (formerly Invitae), Labcorp
Classification: Uncertain significance for Oto-palato-digital syndrome, type II; Heterotopia, periventricular, X-linked dominant; Frontometaphyseal dysplasia; Melnick-Needles syndrome. Last evaluated: 2024-09-28. Review status: criteria provided, single submitter. Criteria: Invitae Variant Classification Sherloc (09022015). Collection method: clinical testing. Allele origin: germline.
Comment: This sequence change affects codon 1585 of the FLNA mRNA. It is a 'silent' change, meaning that it does not change the encoded amino acid sequence of the FLNA protein. This variant also falls at the last nucleotide of exon 28, which is part of the consensus splice site for this exon. This variant is not present in population databases (gnomAD no frequency). This variant has not been reported in the literature in individuals affected with FLNA-related conditions. Variants that disrupt the consensus splice site are a relatively common cause of aberrant splicing (PMID: 17576681, 9536098). Algorithms developed to predict the effect of sequence changes on RNA splicing suggest that this variant is not likely to affect RNA splicing. In summary, the available evidence is currently insufficient to determine the role of this variant in disease. Therefore, it has been classified as a Variant of Uncertain Significance.

Literature cited by the submitters: PubMed 17576681; PubMed 9536098.